The following is an entry in ClinVar:

ClinVar aggregate classification (germline): Benign (0 of 4 stars; one submission).

Conditions:
DLGAP1-related disorder. Also called: DLGAP1-related condition.

Allele frequency attached by ClinVar (database versions not stated): gnomAD exomes 0.00042; ExAC 0.00056; gnomAD 0.00097; TOPMed 0.00104; 1000 Genomes Project 0.00379; 1000 Genomes Project 30x 0.00422.
gnomAD v4.1: 770 of 1,530,250 alleles (0.05%); highest among the groups gnomAD compares: East Asian, 1.5%; 6 homozygotes.

Submission:

PreventionGenetics, part of Exact Sciences
Classification: Benign for DLGAP1-related condition. Last evaluated: 2019-03-20. Review status: no assertion criteria provided. Collection method: clinical testing. Allele origin: germline.
Comment: This variant is classified as benign based on ACMG/AMP sequence variant interpretation guidelines (Richards et al. 2015 PMID: 25741868, with internal and published modifications).

NM_004746.4(DLGAP1):c.957+4508T>C

Gene: DLGAP1 (DLG associated protein 1; minus strand). Cytogenetic location: 18p11.31.
Variant type: single nucleotide variant.
Coding change: c.957+4508T>C on transcript NM_004746.4 (MANE Select); 4508 bases into the intron after coding-DNA position 957, T replaced by C.
Molecular consequence: intron variant.
Genome position (GRCh38, 1-based): chr18:3,874,604, A>G on the plus strand (T>C on the coding strand, the complement: DLGAP1 is on the minus strand). VCF-style: chr18-3874604-A-G. GRCh37 (hg19) VCF-style: chr18-3874604-A-G.
Other names: c.957+4508T>C (NM_001398527.1, NM_001398526.1, NM_001398525.1 and 2 more transcripts); c.93+10T>C (NM_001242762.2, NM_001398533.1, NM_001242763.2 and 4 more transcripts).
Identifiers: ClinVar variation 3034969 (VCV003034969.2), dbSNP rs80137116, ClinGen allele CA8876584.